The following is an entry in ClinVar:

ClinVar aggregate classification (germline): Conflicting classifications of pathogenicity. Review status: criteria provided, conflicting classifications (1 of 4 stars). 2 submissions from 2 submitters: Likely pathogenic (1); Uncertain significance (1). Last evaluated 2026-08-06.

Conditions:
Fatal mitochondrial disease due to combined oxidative phosphorylation defect type 3. Also called: Combined oxidative phosphorylation deficiency 3; ENCEPHALOMYOPATHY, RESPIRATORY FAILURE, AND LACTIC ACIDOSIS. Identifiers: Orphanet 168566, MedGen C1864840, MONDO:0012512, OMIM 610505.

Submissions (2):

OLLIN Analises Genomicas, OLLIN
Classification: Uncertain significance for Fatal mitochondrial disease due to combined oxidative phosphorylation defect type 3. Last evaluated: 2026-08-06. Review status: criteria provided, single submitter. Criteria: ACMG Guidelines 2015 PMID 25741868. Collection method: clinical testing. Allele origin: germline. Inheritance: Autosomal recessive inheritance.
Comment: This missense variant, located in exon 6 (of 6), is absent from gnomAD but has been reported in ClinVar (accession VCV003776793.1) and in the scientific literature, in compound heterozygosity, in individuals with TSFM related disorders (PMID: 38703036). In silico analysis predicts that this variant has a deleterious effect. According to the currently available evidence, this variant has been classified as uncertain significance (PM2_P, PM3, PP3_M).

Service de Génétique Médicale, Centre Hospitalier Universitaire de Nice-Université Côte d'Azur
Classification: Likely pathogenic for Fatal mitochondrial disease due to combined oxidative phosphorylation defect type 3. Last evaluated: 2024-02-27. Review status: criteria provided, single submitter. Criteria: ACMG Guidelines, 2015. Collection method: clinical testing. Allele origin: germline. Affected: yes.

Literature cited by the submitters: PubMed 38703036 (cited by OLLIN Analises Genomicas, OLLIN and Service de Génétique Médicale, Centre Hospitalier Universitaire de Nice-Université Côte d'Azur).

NM_005726.6(TSFM):c.857A>G (p.Gln286Arg)

Gene: TSFM (Ts translation elongation factor, mitochondrial; plus strand). Cytogenetic location: 12q14.1.
Variant type: single nucleotide variant.
Coding change: c.857A>G on transcript NM_005726.6 (MANE Select); coding-DNA position 857, A replaced by G.
Protein change: p.Gln286Arg; replaces glutamine 286 with arginine.
Molecular consequence: missense variant. On other transcripts: 3 prime UTR variant (1), intron variant (1).
Genome position (GRCh38, 1-based): chr12:57,796,462, A>G. VCF-style: chr12-57796462-A-G. GRCh37 (hg19) VCF-style: chr12-58190245-A-G.
Other names: c.*265A>G (NM_001172695.2); c.920A>G, p.Gln307Arg (NM_001172696.2); c.571+3389A>G (NM_001172697.2); short protein forms Q286R, Q307R.
Identifiers: ClinVar variation 3776793 (VCV003776793.2).